The following is an entry in ClinVar:

NM_003737.4(DCHS1):c.9119A>C (p.Glu3040Ala)

Gene: DCHS1 (dachsous cadherin-related 1; minus strand). Cytogenetic location: 11p15.4.
Variant type: single nucleotide variant.
Coding change: c.9119A>C on transcript NM_003737.4 (MANE Select); coding-DNA position 9119, A replaced by C.
Protein change: p.Glu3040Ala; replaces glutamic acid 3040 with alanine.
Molecular consequence: missense variant.
Genome position (GRCh38, 1-based): chr11:6,622,557, T>G on the plus strand (A>C on the coding strand, the complement: DCHS1 is on the minus strand). VCF-style: chr11-6622557-T-G. GRCh37 (hg19) VCF-style: chr11-6643788-T-G.
Other names: short protein forms E3040A.
Identifiers: ClinVar variation 1922752 (VCV001922752.5), dbSNP rs987562292, ClinGen allele CA217329318.

ClinVar aggregate classification (germline): Uncertain significance (1 of 4 stars; one submission).

Allele frequency attached by ClinVar (database versions not stated): TOPMed below 0.00001; gnomAD 0.00001.
gnomAD v4.1: 1 of 1,579,878 alleles (0.000063%); highest among the groups gnomAD compares: Non-Finnish European, 0.000086%; no homozygotes.

Submission:

Labcorp Genetics (formerly Invitae), Labcorp
Classification: Uncertain significance. Last evaluated: 2024-02-22. Review status: criteria provided, single submitter. Criteria: Invitae Variant Classification Sherloc (09022015). Collection method: clinical testing. Allele origin: germline.
Comment: This sequence change replaces glutamic acid, which is acidic and polar, with alanine, which is neutral and non-polar, at codon 3040 of the DCHS1 protein (p.Glu3040Ala). This variant is not present in population databases (gnomAD no frequency). This variant has not been reported in the literature in individuals affected with DCHS1-related conditions. ClinVar contains an entry for this variant (Variation ID: 1922752). Advanced modeling of protein sequence and biophysical properties (such as structural, functional, and spatial information, amino acid conservation, physicochemical variation, residue mobility, and thermodynamic stability) has been performed at Invitae for this missense variant, however the output from this modeling did not meet the statistical confidence thresholds required to predict the impact of this variant on DCHS1 protein function. In summary, the available evidence is currently insufficient to determine the role of this variant in disease. Therefore, it has been classified as a Variant of Uncertain Significance.